The following is an entry in ClinVar:

NM_019066.5(MAGEL2):c.2216C>T (p.Ser739Leu)

Gene: MAGEL2 (MAGE family member L2; minus strand). Cytogenetic location: 15q11.2.
Variant type: single nucleotide variant.
Coding change: c.2216C>T on transcript NM_019066.5 (MANE Select); coding-DNA position 2216, C replaced by T.
Protein change: p.Ser739Leu; replaces serine 739 with leucine.
Molecular consequence: missense variant.
Genome position (GRCh38, 1-based): chr15:23,645,527, G>A on the plus strand (C>T on the coding strand, the complement: MAGEL2 is on the minus strand). VCF-style: chr15-23645527-G-A. GRCh37 (hg19) VCF-style: chr15-23890674-G-A.
Other names: short protein forms S739L.
Identifiers: ClinVar variation 2177222 (VCV002177222.4), dbSNP rs750031141, ClinGen allele CA391332446.

ClinVar aggregate classification (germline): Uncertain significance (1 of 4 stars; one submission).

gnomAD v4.1: 3 of 1,613,786 alleles (0.00019%); highest among the groups gnomAD compares: Non-Finnish European, 0.00025%; no homozygotes.

Submission:

Labcorp Genetics (formerly Invitae), Labcorp
Classification: Uncertain significance. Last evaluated: 2023-03-13. Review status: criteria provided, single submitter. Criteria: Invitae Variant Classification Sherloc (09022015). Collection method: clinical testing. Allele origin: germline.
Comment: This variant is not present in population databases (gnomAD no frequency). This variant has not been reported in the literature in individuals affected with MAGEL2-related conditions. ClinVar contains an entry for this variant (Variation ID: 2177222). Advanced modeling of protein sequence and biophysical properties (such as structural, functional, and spatial information, amino acid conservation, physicochemical variation, residue mobility, and thermodynamic stability) performed at Invitae indicates that this missense variant is not expected to disrupt MAGEL2 protein function. In summary, the available evidence is currently insufficient to determine the role of this variant in disease. Therefore, it has been classified as a Variant of Uncertain Significance. This sequence change replaces serine, which is neutral and polar, with leucine, which is neutral and non-polar, at codon 739 of the MAGEL2 protein (p.Ser739Leu).